The following is an entry in ClinVar:

ClinVar aggregate classification (germline): Benign/Likely benign. Review status: criteria provided, multiple submitters, no conflicts (2 of 4 stars). 2 submissions from 2 submitters: Benign (1); Likely benign (1). Last evaluated 2024-11-06.

Conditions:
Renal cell carcinoma. Identifiers: Orphanet 217071, MedGen C0007134, MeSH D002292, MONDO:0005086, HP:0005584.
Papillary renal cell carcinoma type 1 (RCCP1). Also called: RENAL CELL CARCINOMA, PAPILLARY, 1, SOMATIC; Renal adenocarcinoma; Renal cell carcinoma 1; Renal cell carcinoma, somatic. Identifiers: Orphanet 47044, MedGen C1336839, OMIM 605074, HP:0011797.

Submissions (2):

Labcorp Genetics (formerly Invitae), Labcorp
Classification: Likely benign for Renal cell carcinoma. Last evaluated: 2024-11-06. Review status: criteria provided, single submitter. Criteria: Invitae Variant Classification Sherloc (09022015). Collection method: clinical testing. Allele origin: germline.

Myriad Genetics, Inc.
Classification: Benign for Papillary renal cell carcinoma type 1. Last evaluated: 2024-11-06. Review status: criteria provided, single submitter. Criteria: Myriad Autosomal Dominant, Autosomal Recessive and X-Linked Classification Criteria (2023). Collection method: clinical testing. Allele origin: unknown.
Comment: This variant is considered benign. This variant is a silent/synonymous amino acid change and it is not expected to impact splicing.

NM_000245.4(MET):c.708T>C (p.Asp236=)

Gene: MET (MET proto-oncogene, receptor tyrosine kinase; plus strand). Cytogenetic location: 7q31.2.
Variant type: single nucleotide variant.
Coding change: c.708T>C on transcript NM_000245.4 (MANE Select); coding-DNA position 708, T replaced by C.
Protein change: p.Asp236=; no amino-acid change (aspartic acid 236 retained).
Molecular consequence: synonymous variant. On other transcripts: intron variant (1).
Genome position (GRCh38, 1-based): chr7:116,699,792, T>C. VCF-style: chr7-116699792-T-C. GRCh37 (hg19) VCF-style: chr7-116339846-T-C.
Other names: c.708T>C, p.Asp236= (NM_001127500.3, NM_001324401.3); c.-91+27215T>C (NM_001324402.2).
Identifiers: ClinVar variation 3724743 (VCV003724743.3).